The following is an entry in ClinVar:

NM_001122764.3(PPOX):c.800G>A (p.Arg267His)

Gene: PPOX (protoporphyrinogen oxidase; plus strand). Cytogenetic location: 1q23.3.
Variant type: single nucleotide variant.
Coding change: c.800G>A on transcript NM_001122764.3 (MANE Select); coding-DNA position 800, G replaced by A.
Protein change: p.Arg267His; replaces arginine 267 with histidine.
Molecular consequence: missense variant.
Genome position (GRCh38, 1-based): chr1:161,169,176, G>A. VCF-style: chr1-161169176-G-A. GRCh37 (hg19) VCF-style: chr1-161138966-G-A.
Other names: c.800G>A, p.Arg267His (NM_000309.5, NM_001365398.1, NM_001365399.1); c.314G>A, p.Arg105His (NM_001350130.2, NM_001350131.2, NM_001365401.1); c.701G>A, p.Arg234His (NM_001350128.2); c.392G>A, p.Arg131His (NM_001350129.2, NM_001365400.1); short protein forms R234H, R267H, R105H, R131H.
Identifiers: ClinVar variation 2983325 (VCV002983325.3), dbSNP rs569993390, ClinGen allele CA1207247.

ClinVar aggregate classification (germline): Uncertain significance (1 of 4 stars; one submission).

Allele frequency attached by ClinVar (database versions not stated): ExAC 0.00001; gnomAD exomes 0.00001; TOPMed 0.00001; gnomAD 0.00003; 1000 Genomes Project 30x 0.00016; 1000 Genomes Project 0.00020.
gnomAD v4.1: 13 of 1,613,850 alleles (0.00081%); highest among the groups gnomAD compares: Middle Eastern, 0.016%; no homozygotes.

Submission:

Labcorp Genetics (formerly Invitae), Labcorp
Classification: Uncertain significance. Last evaluated: 2023-05-19. Review status: criteria provided, single submitter. Criteria: Invitae Variant Classification Sherloc (09022015). Collection method: clinical testing. Allele origin: germline.
Comment: In summary, the available evidence is currently insufficient to determine the role of this variant in disease. Therefore, it has been classified as a Variant of Uncertain Significance. Algorithms developed to predict the effect of missense changes on protein structure and function output the following: SIFT: "Not Available"; PolyPhen-2: "Benign"; Align-GVGD: "Not Available". The histidine amino acid residue is found in multiple mammalian species, which suggests that this missense change does not adversely affect protein function. This variant has not been reported in the literature in individuals affected with PPOX-related conditions. This variant is present in population databases (rs569993390, gnomAD 0.006%). This sequence change replaces arginine, which is basic and polar, with histidine, which is basic and polar, at codon 267 of the PPOX protein (p.Arg267His).